The following is an entry in ClinVar:

NM_006947.4(SRP72):c.*558T>C

Gene: SRP72 (signal recognition particle 72; plus strand). Cytogenetic location: 4q12.
Variant type: single nucleotide variant.
Coding change: c.*558T>C on transcript NM_006947.4 (MANE Select); 558 bases downstream of the stop codon, T replaced by C.
Molecular consequence: 3 prime UTR variant. On other transcripts: non-coding transcript variant (1).
Genome position (GRCh38, 1-based): chr4:56,502,419, T>C. VCF-style: chr4-56502419-T-C. GRCh37 (hg19) VCF-style: chr4-57368585-T-C.
Other names: c.*558T>C (NM_001267722.2).
Identifiers: ClinVar variation 349147 (VCV000349147.5), dbSNP rs568178342, ClinGen allele CA10621343.

ClinVar aggregate classification (germline): Benign (1 of 4 stars; one submission).

Conditions:
Autosomal dominant aplasia and myelodysplasia. Also called: Bone marrow failure syndrome 1. Identifiers: Orphanet 314399, MedGen C3808553, MONDO:0013851, OMIM 614675.

Allele frequency attached by ClinVar (database versions not stated): gnomAD 0.00018 and 0.00028; TOPMed 0.00018; 1000 Genomes Project 0.00040; 1000 Genomes Project 30x 0.00094.

Submission:

Illumina Laboratory Services, Illumina
Classification: Benign for Autosomal dominant aplasia and myelodysplasia. Last evaluated: 2018-01-12. Review status: criteria provided, single submitter. Criteria: ICSL Variant Classification Criteria 13 December 2019. Collection method: clinical testing. Allele origin: germline.
Comment: This variant was observed in the ICSL laboratory as part of a predisposition screen in an ostensibly healthy population. It had not been previously curated by ICSL or reported in the Human Gene Mutation Database (HGMD: prior to June 1st, 2018), and was therefore a candidate for classification through an automated scoring system. Utilizing variant allele frequency, disease prevalence and penetrance estimates, and inheritance mode, an automated score was calculated to assess if this variant is too frequent to cause the disease. Based on the score and internal cut-off values, a variant classified as benign is not then subjected to further curation. The score for this variant resulted in a classification of benign for this disease.